The following is an entry in ClinVar:

NM_000170.3(GLDC):c.678C>T (p.His226=)

Gene: GLDC (glycine decarboxylase; minus strand). Cytogenetic location: 9p24.1.
Variant type: single nucleotide variant.
Coding change: c.678C>T on transcript NM_000170.3 (MANE Select); coding-DNA position 678, C replaced by T.
Protein change: p.His226=; no amino-acid change (histidine 226 retained).
Molecular consequence: synonymous variant.
Genome position (GRCh38, 1-based): chr9:6,606,627, G>A on the plus strand (C>T on the coding strand, the complement: GLDC is on the minus strand). VCF-style: chr9-6606627-G-A. GRCh37 (hg19) VCF-style: chr9-6606627-G-A.
Identifiers: ClinVar variation 462892 (VCV000462892.54), dbSNP rs12006003, ClinGen allele CA4981039.

ClinVar aggregate classification (germline): Benign/Likely benign. Review status: criteria provided, multiple submitters, no conflicts (2 of 4 stars). 9 submissions from 9 submitters: Benign (2); Likely benign (5). 2 of the submissions do not count toward it. Last evaluated 2026-02-01.

Conditions:
Glycine encephalopathy. Also called: Nonketotic hyperglycinemia; Non-ketotic hyperglycinemia. Identifiers: Orphanet 407, MedGen C0751748, MONDO:0011612, HP:0008288.

Allele frequency attached by ClinVar (database versions not stated): ExAC 0.00115; gnomAD 0.00320 and 0.00338; TOPMed 0.00326; ESP Exome Variant Server 0.00338; 1000 Genomes Project 30x 0.00375; 1000 Genomes Project 0.00399.
gnomAD v4.1: 1,108 of 1,609,706 alleles (0.069%); highest among the groups gnomAD compares: African/African-American, 0.9%; 4 homozygotes.

Submissions (9):

Labcorp Genetics (formerly Invitae), Labcorp
Classification: Benign for Glycine encephalopathy. Last evaluated: 2026-02-01. Review status: criteria provided, single submitter. Criteria: Invitae Variant Classification Sherloc (09022015). Collection method: clinical testing. Allele origin: germline.

CeGaT Center for Human Genetics Tuebingen
Classification: Likely benign. Last evaluated: 2025-03-01. Review status: criteria provided, single submitter. Criteria: CeGaT Center For Human Genetics Tuebingen Variant Classification Criteria Version 2. Collection method: clinical testing. Allele origin: germline. Affected: yes. Observed: 6 variant alleles.
Comment: GLDC: BP4, BP7

Blueprint Genetics
Classification: Likely benign. Last evaluated: 2024-11-01. Review status: criteria provided, single submitter. Criteria: ACMG Guidelines, 2015. Collection method: clinical testing. Allele origin: germline.

GeneDx
Classification: Likely benign. Last evaluated: 2021-10-21. Review status: criteria provided, single submitter. Criteria: GeneDx Variant Classification Process June 2021. Collection method: clinical testing. Allele origin: germline. Affected: yes.

Athena Diagnostics
Classification: Benign. Last evaluated: 2018-11-23. Review status: criteria provided, single submitter. Criteria: Athena Diagnostics Criteria. Collection method: clinical testing. Allele origin: germline.

Illumina Laboratory Services, Illumina
Classification: Likely benign for Glycine encephalopathy 1. Last evaluated: 2018-01-12. Review status: criteria provided, single submitter. Criteria: ICSL Variant Classification Criteria 13 December 2019. Collection method: clinical testing. Allele origin: germline.
Comment: This variant was observed in the ICSL laboratory as part of a predisposition screen in an ostensibly healthy population. It had not been previously curated by ICSL or reported in the Human Gene Mutation Database (HGMD: prior to June 1st, 2018), and was therefore a candidate for classification through an automated scoring system. Utilizing variant allele frequency, disease prevalence and penetrance estimates, and inheritance mode, an automated score was calculated to assess if this variant is too frequent to cause the disease. Based on the score and internal cut-off values, a variant classified as likely benign is not then subjected to further curation. The score for this variant resulted in a classification of likely benign for this disease.

Breakthrough Genomics
Classification: Likely benign. Review status: criteria provided, single submitter. Criteria: ACMG Guidelines, 2015. Collection method: not provided. Allele origin: germline. Inheritance: Autosomal recessive inheritance. Affected: yes.

Clinical Genetics DNA and cytogenetics Diagnostics Lab, Erasmus MC, Erasmus Medical Center
Classification: Likely benign. Review status: no assertion criteria provided. Collection method: clinical testing. Allele origin: germline. Affected: yes. Study: VKGL Data-share Consensus. Not counted in ClinVar's aggregate classification.

Genome Diagnostics Laboratory, University Medical Center Utrecht
Classification: Likely benign. Review status: no assertion criteria provided. Collection method: clinical testing. Allele origin: germline. Affected: yes. Study: VKGL Data-share Consensus. Not counted in ClinVar's aggregate classification.